The following is an entry in ClinVar:

NM_052844.4(DYNC2I2):c.*15C>T

Gene: DYNC2I2 (dynein 2 intermediate chain 2; minus strand). Cytogenetic location: 9q34.11.
Variant type: single nucleotide variant.
Coding change: c.*15C>T on transcript NM_052844.4 (MANE Select); 15 bases downstream of the stop codon, C replaced by T.
Molecular consequence: 3 prime UTR variant.
Genome position (GRCh38, 1-based): chr9:128,633,729, G>A on the plus strand (C>T on the coding strand, the complement: DYNC2I2 is on the minus strand). VCF-style: chr9-128633729-G-A. GRCh37 (hg19) VCF-style: chr9-131396008-G-A.
Identifiers: ClinVar variation 4537354 (VCV004537354.1).

ClinVar aggregate classification (germline): Uncertain significance (1 of 4 stars; one submission).

gnomAD v4.1: 2,861 of 1,608,300 alleles (0.18%); highest among the groups gnomAD compares: Non-Finnish European, 0.23%; 4 homozygotes.

Submission:

Women's Health and Genetics/Laboratory Corporation of America, LabCorp
Classification: Uncertain significance. Last evaluated: 2025-11-18. Review status: criteria provided, single submitter. Criteria: LabCorp Variant Classification Summary - May 2015. Collection method: clinical testing. Allele origin: germline.
Comment: Variant summary: DYNC2I2 c.*15C>T is located in the untranslated mRNA region downstream of the termination codon. The variant allele was found at a frequency of 0.00017 in 276928 control chromosomes, predominantly at a frequency of 0.0018 within the Non-Finnish European subpopulation in the gnomAD database. This frequency is not significantly higher than estimated for disease-causing variants in DYNC2I2, allowing no conclusion about variant significance. To our knowledge, no occurrence of c.*15C>T in individuals affected with DYNC2I2-related conditions and no experimental evidence demonstrating its impact on protein function have been reported. No submitters have cited clinical-significance assessments for this variant to ClinVar. Based on the evidence outlined above, the variant was classified as uncertain significance.